The following is an entry in ClinVar:

NM_006045.3(ATP9A):c.639C>T (p.Ala213=)

Gene: ATP9A (ATPase phospholipid transporting 9A; minus strand). Cytogenetic location: 20q13.2.
Variant type: single nucleotide variant.
Coding change: c.639C>T on transcript NM_006045.3 (MANE Select); coding-DNA position 639, C replaced by T.
Protein change: p.Ala213=; no amino-acid change (alanine 213 retained).
Molecular consequence: synonymous variant.
Genome position (GRCh38, 1-based): chr20:51,694,011, G>A on the plus strand (C>T on the coding strand, the complement: ATP9A is on the minus strand). VCF-style: chr20-51694011-G-A. GRCh37 (hg19) VCF-style: chr20-50310550-G-A.
Identifiers: ClinVar variation 4872707 (VCV004872707.2).
Genomic context (GRCh38, chr20:51,694,011, plus strand): 5'-TGAGAACCCTGCTAAGATAGGTTGCCCGCATGGGCTTCTGCAGGGAAAGCTACTCACGGC[G>A]GCCGTGGGGAGCCTCTGCGTGCAGGCCACGGGAAGCCGCAGCTTCCAGTCCGTCTCCCCA-3'
Protein context (NP_006036.1, residues 203-223): PVACTQRLPT[Ala213=]ADLLQIRSYV

ClinVar aggregate classification (germline): Likely benign (1 of 4 stars; one submission).

gnomAD v4.1: 23 of 1,612,618 alleles (0.0014%); highest among the groups gnomAD compares: Admixed American, 0.01%; no homozygotes.

Submission:

CeGaT Center for Human Genetics Tuebingen
Classification: Likely benign. Last evaluated: 2026-06-01. Review status: criteria provided, single submitter. Criteria: CeGaT Center For Human Genetics Tuebingen Variant Classification Criteria Version 2. Collection method: clinical testing. Allele origin: germline. Affected: yes. Observed: 1 variant allele.
Comment: ATP9A: BP4, BP7